The following is an entry in ClinVar:

NM_000255.4(MMUT):c.40C>T (p.His14Tyr)

Gene: MMUT (methylmalonyl-CoA mutase; minus strand). Cytogenetic location: 6p12.3.
Variant type: single nucleotide variant.
Coding change: c.40C>T on transcript NM_000255.4 (MANE Select); coding-DNA position 40, C replaced by T.
Protein change: p.His14Tyr; replaces histidine 14 with tyrosine.
Molecular consequence: missense variant.
Genome position (GRCh38, 1-based): chr6:49,459,427, G>A on the plus strand (C>T on the coding strand, the complement: MMUT is on the minus strand). VCF-style: chr6-49459427-G-A. GRCh37 (hg19) VCF-style: chr6-49427140-G-A.
Other names: short protein forms H14Y.
Identifiers: ClinVar variation 1523601 (VCV001523601.5), dbSNP rs745369199, ClinGen allele CA364405952.
Genomic context (GRCh38, chr6:49,459,427, plus strand): 5'-GTAGAAGTCGTTGCTGTATGAGCCTGGAGCCTGATGATTCTTTTACCTGCCTCAGGTAAT[G>A]AGGTGAAAGTAAAAAAAGCTGATTCTTAGCTCTTAACATGGTGGAGCATGGAAACACCCA-3'
Protein context (NP_000246.2, residues 4-24): AKNQLFLLSP[His14Tyr]YLRQVKESSG

ClinVar aggregate classification (germline): Uncertain significance (1 of 4 stars; one submission).

Submission:

Labcorp Genetics (formerly Invitae), Labcorp
Classification: Uncertain significance. Last evaluated: 2022-07-12. Review status: criteria provided, single submitter. Criteria: Invitae Variant Classification Sherloc (09022015). Collection method: clinical testing. Allele origin: germline.
Comment: This sequence change replaces histidine, which is basic and polar, with tyrosine, which is neutral and polar, at codon 14 of the MUT protein (p.His14Tyr). This variant is not present in population databases (gnomAD no frequency). This variant has not been reported in the literature in individuals affected with MUT-related conditions. ClinVar contains an entry for this variant (Variation ID: 1523601). Algorithms developed to predict the effect of missense changes on protein structure and function output the following: SIFT: "Tolerated"; PolyPhen-2: "Benign"; Align-GVGD: "Class C0". The tyrosine amino acid residue is found in multiple mammalian species, which suggests that this missense change does not adversely affect protein function. In summary, the available evidence is currently insufficient to determine the role of this variant in disease. Therefore, it has been classified as a Variant of Uncertain Significance.